The following is an entry in ClinVar:

NM_013382.7(POMT2):c.2056C>T (p.Arg686Trp)

Gene: POMT2 (protein O-mannosyltransferase 2; minus strand). Cytogenetic location: 14q24.3.
Variant type: single nucleotide variant.
Coding change: c.2056C>T on transcript NM_013382.7 (MANE Select); coding-DNA position 2056, C replaced by T.
Protein change: p.Arg686Trp; replaces arginine 686 with tryptophan.
Molecular consequence: missense variant.
Genome position (GRCh38, 1-based): chr14:77,278,485, G>A on the plus strand (C>T on the coding strand, the complement: POMT2 is on the minus strand). VCF-style: chr14-77278485-G-A. GRCh37 (hg19) VCF-style: chr14-77744828-G-A.
Other names: short protein forms R686W.
Identifiers: ClinVar variation 1512013 (VCV001512013.7), dbSNP rs727502859, ClinGen allele CA295447.

ClinVar aggregate classification (germline): Uncertain significance. Review status: criteria provided, multiple submitters, no conflicts (2 of 4 stars). 2 submissions from 2 submitters: Uncertain significance (2). Last evaluated 2023-12-13.

Conditions:
Muscular dystrophy-dystroglycanopathy (congenital with impaired intellectual development), type B, 2. Also called: Muscular dystrophy-dystroglycanopathy (congenital with intellectual disability), type B2; MUSCULAR DYSTROPHY, CONGENITAL, POMT2-RELATED. Identifiers: MedGen C3150416, MONDO:0013160, OMIM 613156.
Autosomal recessive limb-girdle muscular dystrophy type 2N. Also called: MUSCULAR DYSTROPHY-DYSTROGLYCANOPATHY, LIMB-GIRDLE, POMT2-RELATED; Muscular dystrophy-dystroglycanopathy (limb-girdle), type C, 2. Identifiers: Orphanet 206559, MedGen C3150418, MONDO:0013162, OMIM 613158.
Muscular dystrophy-dystroglycanopathy (congenital with brain and eye anomalies), type A2. Also called: MUSCULAR DYSTROPHY-DYSTROGLYCANOPATHY (CONGENITAL WITH BRAIN AND EYE ANOMALIES), TYPE A, 2; WALKER-WARBURG SYNDROME OR MUSCLE-EYE-BRAIN DISEASE, POMT2-RELATED. Identifiers: Orphanet 588, Orphanet 899, MedGen C3150411, MONDO:0013154, OMIM 613150.

Allele frequency attached by ClinVar (database versions not stated): gnomAD 0.00010; TOPMed 0.00007; gnomAD exomes 0.00004 and 0.00010.
gnomAD v4.1: 152 of 1,491,716 alleles (0.01%); highest among the groups gnomAD compares: Non-Finnish European, 0.013%; no homozygotes.

Submissions (2):

Revvity Omics, Revvity
Classification: Uncertain significance. Last evaluated: 2023-12-13. Review status: criteria provided, single submitter. Criteria: ACMG Guidelines, 2015. Collection method: clinical testing. Allele origin: germline.

Labcorp Genetics (formerly Invitae), Labcorp
Classification: Uncertain significance for Muscular dystrophy-dystroglycanopathy (congenital with impaired intellectual development), type B, 2; Muscular dystrophy-dystroglycanopathy (congenital with brain and eye anomalies), type A2; Autosomal recessive limb-girdle muscular dystrophy type 2N. Last evaluated: 2022-08-09. Review status: criteria provided, single submitter. Criteria: Invitae Variant Classification Sherloc (09022015). Collection method: clinical testing. Allele origin: germline.
Comment: This sequence change replaces arginine, which is basic and polar, with tryptophan, which is neutral and slightly polar, at codon 686 of the POMT2 protein (p.Arg686Trp). The frequency data for this variant in the population databases is considered unreliable, as metrics indicate poor data quality at this position in the gnomAD database. This variant has not been reported in the literature in individuals affected with POMT2-related conditions. ClinVar contains an entry for this variant (Variation ID: 1512013). Algorithms developed to predict the effect of missense changes on protein structure and function are either unavailable or do not agree on the potential impact of this missense change (SIFT: "Deleterious"; PolyPhen-2: "Possibly Damaging"; Align-GVGD: "Class C15"). In summary, the available evidence is currently insufficient to determine the role of this variant in disease. Therefore, it has been classified as a Variant of Uncertain Significance.